The following is an entry in ClinVar:

ClinVar aggregate classification (germline): Benign/Likely benign. Review status: criteria provided, multiple submitters, no conflicts (2 of 4 stars). 3 submissions from 3 submitters: Benign (1); Likely benign (2). Last evaluated 2026-01-08.

Conditions:
Supravalvar aortic stenosis (SVAS). Also called: Supravalvar aortic stenosis, Eisenberg type. Identifiers: Orphanet 3193, MedGen C0003499, MONDO:0008504, OMIM 185500, HP:0004381.

Allele frequency attached by ClinVar (database versions not stated): TOPMed 0.00005; gnomAD 0.00008; ESP Exome Variant Server 0.00015; ExAC 0.00016; gnomAD exomes 0.00016.
gnomAD v4.1: 125 of 1,614,072 alleles (0.0077%); highest among the groups gnomAD compares: Non-Finnish European, 0.0013%; 1 homozygote.

Submissions (3):

Labcorp Genetics (formerly Invitae), Labcorp
Classification: Benign for Supravalvar aortic stenosis. Last evaluated: 2026-01-08. Review status: criteria provided, single submitter. Criteria: Invitae Variant Classification Sherloc (09022015). Collection method: clinical testing. Allele origin: germline.

Blueprint Genetics
Classification: Likely benign. Last evaluated: 2024-09-30. Review status: criteria provided, single submitter. Criteria: ACMG Guidelines, 2015. Collection method: clinical testing. Allele origin: germline.

GeneDx
Classification: Likely benign. Last evaluated: 2016-12-05. Review status: criteria provided, single submitter. Criteria: GeneDx Variant Classification (06012015). Collection method: clinical testing. Allele origin: germline. Affected: yes.
Comment: This variant is considered likely benign or benign based on one or more of the following criteria: it is a conservative change, it occurs at a poorly conserved position in the protein, it is predicted to be benign by multiple in silico algorithms, and/or has population frequency not consistent with disease.

NM_000501.4(ELN):c.644-8C>T

Gene: ELN (elastin; plus strand). Cytogenetic location: 7q11.23.
Variant type: single nucleotide variant.
Coding change: c.644-8C>T on transcript NM_000501.4 (MANE Select); 8 bases into the intron before coding-DNA position 644, C replaced by T.
Molecular consequence: intron variant.
Genome position (GRCh38, 1-based): chr7:74,047,667, C>T. VCF-style: chr7-74047667-C-T. GRCh37 (hg19) VCF-style: chr7-73461997-C-T.
Other names: c.659-8C>T (NM_001081754.3, NM_001081753.3); c.644-8C>T (NM_001278939.2, NM_001278915.2, NM_001278912.2 and 1 more transcripts); c.644-475C>T (NM_001278916.2); c.578-475C>T (NM_001278913.2); c.629-8C>T (NM_001278914.2); c.614-8C>T (NM_001278917.2, NM_001081752.3); c.512-8C>T (NM_001278918.2).
Identifiers: ClinVar variation 391245 (VCV000391245.10), dbSNP rs201859539, ClinGen allele CA4292619.